The following is an entry in ClinVar:

ClinVar aggregate classification (germline): Benign. Review status: criteria provided, multiple submitters, no conflicts (2 of 4 stars). 2 submissions from 2 submitters: Benign (2). Last evaluated 2019-10-16.

Allele frequency attached by ClinVar (database versions not stated): gnomAD exomes 0.40938; 1000 Genomes Project 0.50479; 1000 Genomes Project 30x 0.51140; TOPMed 0.52914; ESP Exome Variant Server 0.53088; ExAC 0.40240.
gnomAD v4.1: 675,282 of 1,550,820 alleles (44%); highest among the groups gnomAD compares: African/African-American, 82%; 155,512 homozygotes.

Submissions (2):

GeneDx
Classification: Benign. Last evaluated: 2019-10-16. Review status: criteria provided, single submitter. Criteria: GeneDx Variant Classification Process June 2021. Collection method: clinical testing. Allele origin: germline. Affected: yes.
Comment: This variant is associated with the following publications: (PMID: 29455858)

Breakthrough Genomics
Classification: Benign. Review status: criteria provided, single submitter. Criteria: ACMG Guidelines, 2015. Collection method: not provided. Allele origin: germline. Inheritance: Unknown mechanism. Affected: yes.

NM_001293083.2(FER1L5):c.2059A>G (p.Thr687Ala)

Gene: FER1L5 (fer-1 like family member 5; plus strand). Cytogenetic location: 2q11.2.
Variant type: single nucleotide variant.
Coding change: c.2059A>G on transcript NM_001293083.2 (MANE Select); coding-DNA position 2059, A replaced by G.
Protein change: p.Thr687Ala; replaces threonine 687 with alanine.
Molecular consequence: missense variant.
Genome position (GRCh38, 1-based): chr2:96,686,103, A>G. VCF-style: chr2-96686103-A-G. GRCh37 (hg19) VCF-style: chr2-97351840-A-G.
Other names: short protein forms T687A.
Identifiers: ClinVar variation 1230137 (VCV001230137.4), dbSNP rs7599598, ClinGen allele CA1781843.